The following is an entry in ClinVar:

ClinVar aggregate classification (germline): Uncertain significance (1 of 4 stars; one submission).

Allele frequency attached by ClinVar (database versions not stated): gnomAD 0.00001; TOPMed 0.00001.
gnomAD v4.1: 1 of 1,614,042 alleles (0.000062%); highest among the groups gnomAD compares: African/African-American, 0.0013%; no homozygotes.

Submission:

Ambry Genetics
Classification: Uncertain significance. Last evaluated: 2023-05-02. Review status: criteria provided, single submitter. Criteria: Ambry Variant Classification Scheme 2023. Collection method: clinical testing. Allele origin: germline.
Comment: The p.P1100A variant (also known as c.3298C>G), located in coding exon 4 of the ALPK2 gene, results from a C to G substitution at nucleotide position 3298. The proline at codon 1100 is replaced by alanine, an amino acid with highly similar properties. This amino acid position is conserved. In addition, this alteration is predicted to be tolerated by in silico analysis. Since supporting evidence is limited at this time, the clinical significance of this alteration remains unclear.

NM_052947.4(ALPK2):c.3298C>G (p.Pro1100Ala)

Gene: ALPK2 (alpha kinase 2; minus strand). Cytogenetic location: 18q21.31.
Variant type: single nucleotide variant.
Coding change: c.3298C>G on transcript NM_052947.4 (MANE Select); coding-DNA position 3298, C replaced by G.
Protein change: p.Pro1100Ala; replaces proline 1100 with alanine.
Molecular consequence: missense variant.
Genome position (GRCh38, 1-based): chr18:58,536,889, G>C on the plus strand (C>G on the coding strand, the complement: ALPK2 is on the minus strand). VCF-style: chr18-58536889-G-C. GRCh37 (hg19) VCF-style: chr18-56204121-G-C.
Other names: short protein forms P1100A.
Identifiers: ClinVar variation 2561816 (VCV002561816.2), dbSNP rs2051652225, ClinGen allele CA402568682.
Genomic context (GRCh38, chr18:58,536,889, plus strand): 5'-TAAAGTCTGCTCTGTCCACAGTCTGGCTCTTATCTCCAGACAGGTTATCAACCTGAAGAG[G>C]GGAATTACTGCAGAAACCCTCTCCCTCTGGGAGCTGCAGGACATGGTGTGGGACTCCTGG-3'
Protein context (NP_443179.3, residues 1090-1110): PEGEGFCSNS[Pro1100Ala]LQVDNLSGDK